The following is an entry in ClinVar:

ClinVar aggregate classification (germline): Uncertain significance (1 of 4 stars; one submission).

Allele frequency attached by ClinVar (database versions not stated): ExAC 0.00001; gnomAD 0.00001 and 0.00002; gnomAD exomes 0.00001; TOPMed 0.00001; ESP Exome Variant Server 0.00008.
gnomAD v4.1: 16 of 1,611,184 alleles (0.00099%); highest among the groups gnomAD compares: Admixed American, 0.0033%; no homozygotes.

Submission:

Labcorp Genetics (formerly Invitae), Labcorp
Classification: Uncertain significance. Last evaluated: 2024-10-22. Review status: criteria provided, single submitter. Criteria: Invitae Variant Classification Sherloc (09022015). Collection method: clinical testing. Allele origin: germline.
Comment: This sequence change replaces arginine, which is basic and polar, with histidine, which is basic and polar, at codon 1146 of the LRP5 protein (p.Arg1146His). The frequency data for this variant in the population databases is considered unreliable, as metrics indicate poor data quality at this position in the gnomAD database. This variant has not been reported in the literature in individuals affected with LRP5-related conditions. ClinVar contains an entry for this variant (Variation ID: 1353295). Invitae Evidence Modeling of protein sequence and biophysical properties (such as structural, functional, and spatial information, amino acid conservation, physicochemical variation, residue mobility, and thermodynamic stability) has been performed for this missense variant. However, the output from this modeling did not meet the statistical confidence thresholds required to predict the impact of this variant on LRP5 protein function. In summary, the available evidence is currently insufficient to determine the role of this variant in disease. Therefore, it has been classified as a Variant of Uncertain Significance.

NM_002335.4(LRP5):c.3437G>A (p.Arg1146His)

Gene: LRP5 (LDL receptor related protein 5; plus strand). Cytogenetic location: 11q13.2.
Variant type: single nucleotide variant.
Coding change: c.3437G>A on transcript NM_002335.4 (MANE Select); coding-DNA position 3437, G replaced by A.
Protein change: p.Arg1146His; replaces arginine 1146 with histidine.
Molecular consequence: missense variant.
Genome position (GRCh38, 1-based): chr11:68,425,987, G>A. VCF-style: chr11-68425987-G-A. GRCh37 (hg19) VCF-style: chr11-68193455-G-A.
Other names: c.1694G>A, p.Arg565His (NM_001291902.2); short protein forms R1146H, R565H.
Identifiers: ClinVar variation 1353295 (VCV001353295.8), dbSNP rs370086361, ClinGen allele CA6149999.